The following is an entry in ClinVar:

ClinVar aggregate classification (germline): Uncertain significance (1 of 4 stars; one submission).

Submission:

Labcorp Genetics (formerly Invitae), Labcorp
Classification: Uncertain significance. Last evaluated: 2024-10-17. Review status: criteria provided, single submitter. Criteria: Invitae Variant Classification Sherloc (09022015). Collection method: clinical testing. Allele origin: germline.
Comment: This variant, c.1438_1440del, results in the deletion of 1 amino acid(s) of the FAM111A protein (p.Lys480del), but otherwise preserves the integrity of the reading frame. This variant is not present in population databases (gnomAD no frequency). This variant has not been reported in the literature in individuals affected with FAM111A-related conditions. Experimental studies and prediction algorithms are not available or were not evaluated, and the functional significance of this variant is currently unknown. In summary, the available evidence is currently insufficient to determine the role of this variant in disease. Therefore, it has been classified as a Variant of Uncertain Significance.

NM_001312909.2(FAM111A):c.1438_1440del (p.Lys480del)

Gene: FAM111A (FAM111 trypsin like peptidase A; plus strand). Cytogenetic location: 11q12.1.
Variant type: Deletion.
Coding change: c.1438_1440del on transcript NM_001312909.2 (MANE Select); coding-DNA positions 1438 to 1440, 3 bases deleted (AAG; older notation c.1438_1440delAAG).
Protein change: p.Lys480del; deletes lysine 480.
Molecular consequence: inframe deletion.
Genome position (GRCh38, 1-based): chr11:59,153,106-59,153,108, AAG deleted. VCF-style (leftmost placement, unchanged base first): chr11-59153105-AAAG-A. GRCh37 (hg19) VCF-style: chr11-58920578-AAAG-A.
Other names: c.1438_1440del, p.Lys480del (NM_001369457.1, NM_001374804.1, NM_001374848.1 and 29 more transcripts); short protein forms K480del.
Identifiers: ClinVar variation 2811805 (VCV002811805.3), dbSNP rs2496314466, ClinGen allele CA2739270454.